The following is an entry in ClinVar:

ClinVar aggregate classification (germline): Likely benign. Review status: criteria provided, multiple submitters, no conflicts (2 of 4 stars). 6 submissions from 6 submitters: Likely benign (3). 3 of the submissions do not count toward it. Last evaluated 2024-09-06.

Conditions:
INSR-related disorder.
Monogenic diabetes. Identifiers: Orphanet 183625, MedGen C3888631, MONDO:0015967.

Allele frequency attached by ClinVar (database versions not stated): 1000 Genomes Project 0.00060; gnomAD 0.00110 and 0.00123; gnomAD exomes 0.00009 and 0.00033; ExAC 0.00039; 1000 Genomes Project 30x 0.00047; TOPMed 0.00134; ESP Exome Variant Server 0.00161.
gnomAD v4.1: 310 of 1,614,126 alleles (0.019%); highest among the groups gnomAD compares: African/African-American, 0.36%; 2 homozygotes.

Submissions (6):

Labcorp Genetics (formerly Invitae), Labcorp
Classification: Likely benign. Last evaluated: 2024-09-06. Review status: criteria provided, single submitter. Criteria: Invitae Variant Classification Sherloc (09022015). Collection method: clinical testing. Allele origin: germline.

Blueprint Genetics
Classification: Likely benign. Last evaluated: 2024-07-17. Review status: criteria provided, single submitter. Criteria: ACMG Guidelines, 2015. Collection method: clinical testing. Allele origin: germline.

Personalized Diabetes Medicine Program, University of Maryland School of Medicine
Classification: Likely benign for Monogenic diabetes. Last evaluated: 2018-01-05. Review status: criteria provided, single submitter. Criteria: ACMG Guidelines, 2015. Collection method: research. Allele origin: unknown. Observed: 1 variant allele, 1 heterozygote.
Comment: ACMG criteria: PP3 (2 predictors), BP4 (6 predictors), BS2 (10 cases and 15 controls in an online resource and 1 homozygote in gnomAD)=likely benign

PreventionGenetics, part of Exact Sciences
Classification: Likely benign for INSR-related condition. Last evaluated: 2024-02-06. Review status: no assertion criteria provided. Collection method: clinical testing. Allele origin: germline. Not counted in ClinVar's aggregate classification.
Comment: This variant is classified as likely benign based on ACMG/AMP sequence variant interpretation guidelines (Richards et al. 2015 PMID: 25741868, with internal and published modifications).

Clinical Genetics DNA and cytogenetics Diagnostics Lab, Erasmus MC, Erasmus Medical Center
Classification: Likely benign. Review status: no assertion criteria provided. Collection method: clinical testing. Allele origin: germline. Affected: yes. Study: VKGL Data-share Consensus. Not counted in ClinVar's aggregate classification.

Laboratory of Diagnostic Genome Analysis, Leiden University Medical Center (LUMC)
Classification: Likely benign. Review status: no assertion criteria provided. Collection method: clinical testing. Allele origin: germline. Affected: yes. Study: VKGL Data-share Consensus. Not counted in ClinVar's aggregate classification.

NM_000208.4(INSR):c.2575C>T (p.His859Tyr)

Gene: INSR (insulin receptor; minus strand). Cytogenetic location: 19p13.2.
Variant type: single nucleotide variant.
Coding change: c.2575C>T on transcript NM_000208.4 (MANE Select); coding-DNA position 2575, C replaced by T.
Protein change: p.His859Tyr; replaces histidine 859 with tyrosine.
Molecular consequence: missense variant.
Genome position (GRCh38, 1-based): chr19:7,141,784, G>A on the plus strand (C>T on the coding strand, the complement: INSR is on the minus strand). VCF-style: chr19-7141784-G-A. GRCh37 (hg19) VCF-style: chr19-7141795-G-A.
Other names: c.2539C>T, p.His847Tyr (NM_001079817.3); short protein forms H847Y, H859Y.
Identifiers: ClinVar variation 724119 (VCV000724119.14), dbSNP rs149536206, ClinGen allele CA9135509.